The following is an entry in ClinVar:

NM_000187.4(HGD):c.289T>G (p.Trp97Gly)

Gene: HGD (homogentisate 1,2-dioxygenase; minus strand). Cytogenetic location: 3q13.33.
Variant type: single nucleotide variant.
Coding change: c.289T>G on transcript NM_000187.4 (MANE Select); coding-DNA position 289, T replaced by G.
Protein change: p.Trp97Gly; replaces tryptophan 97 with glycine.
Molecular consequence: missense variant.
Genome position (GRCh38, 1-based): chr3:120,652,645, A>C on the plus strand (T>G on the coding strand, the complement: HGD is on the minus strand). VCF-style: chr3-120652645-A-C. GRCh37 (hg19) VCF-style: chr3-120371492-A-C.
Other names: short protein forms W97G.
Identifiers: ClinVar variation 2626828 (VCV002626828.2), dbSNP rs2472725122, ClinGen allele CA354078786.

ClinVar aggregate classification (germline): Likely pathogenic. Review status: criteria provided, single submitter (1 of 4 stars). 2 submissions from 2 submitters: Likely pathogenic (1). 1 of the submissions does not count toward it. Last evaluated 2024-01-02.

Conditions:
Alkaptonuria (AKU). Also called: Alkaptonuric ochronosis; Homogentisic acidura; Alcaptonuria; HOMOGENTISIC ACID OXIDASE DEFICIENCY. Identifiers: Orphanet 56, MedGen C0002066, MONDO:0008753, OMIM 203500.

gnomAD v4.1: 4 of 1,612,370 alleles (0.00025%); highest among the groups gnomAD compares: South Asian, 0.0033%; no homozygotes.

Submissions (2):

Fulgent Genetics
Classification: Likely pathogenic for Alkaptonuria. Last evaluated: 2024-01-02. Review status: criteria provided, single submitter. Criteria: ACMG Guidelines, 2015. Collection method: clinical testing. Allele origin: germline.

Department Of Human Genetics, Institute Of Clinical And Translational Research, Biomedical Research Center, Slovak Academy Of Sciences
Classification: Pathogenic for Alkaptonuria. Review status: no assertion criteria provided. Collection method: research. Allele origin: germline. Inheritance: Autosomal recessive inheritance. Affected: yes. Observed: 5 variant alleles. Not counted in ClinVar's aggregate classification.
Comment: The variant was originally described in AKU patient in PMID:9529363. It has been submitted to the HGD gene mutation database (DB-ID: AKU_00023).

Literature cited by the submitters: PubMed 9529363 (cited by Department Of Human Genetics, Institute Of Clinical And Translational Research, Biomedical Research Center, Slovak Academy Of Sciences).